The following is an entry in ClinVar:

ClinVar aggregate classification (germline): Pathogenic (1 of 4 stars; one submission).

Conditions:
Short-rib thoracic dysplasia 10 with or without polydactyly (SRTD10). Identifiers: Orphanet 474, MedGen C3810175, MONDO:0014284, OMIM 615630.
Retinitis pigmentosa 71 (RP71). Identifiers: Orphanet 791, MedGen C4225342, MONDO:0014618, OMIM 616394.

Submission:

Labcorp Genetics (formerly Invitae), Labcorp
Classification: Pathogenic for Retinitis pigmentosa 71; Short-rib thoracic dysplasia 10 with or without polydactyly. Last evaluated: 2022-08-23. Review status: criteria provided, single submitter. Criteria: Invitae Variant Classification Sherloc (09022015). Collection method: clinical testing. Allele origin: germline.
Comment: For these reasons, this variant has been classified as Pathogenic. Algorithms developed to predict the effect of sequence changes on RNA splicing suggest that this variant may disrupt the consensus splice site. This variant has not been reported in the literature in individuals affected with IFT172-related conditions. This variant is not present in population databases (gnomAD no frequency). This sequence change creates a premature translational stop signal (p.Lys65Alafs*4) in the IFT172 gene. It is expected to result in an absent or disrupted protein product. Loss-of-function variants in IFT172 are known to be pathogenic (PMID: 24140113).

Literature cited by the submitters: PubMed 24140113.

NM_015662.3(IFT172):c.189_192del (p.Lys65fs)

Gene: IFT172 (intraflagellar transport 172; minus strand). Cytogenetic location: 2p23.3.
Variant type: Deletion.
Coding change: c.189_192del on transcript NM_015662.3 (MANE Select); coding-DNA positions 189 to 192, 4 bases deleted (CAGG; older notation c.189_192delCAGG).
Protein change: p.Lys65fs; shifts the reading frame from lysine 65.
Molecular consequence: frameshift variant.
Genome position (GRCh38, 1-based): chr2:27,485,122-27,485,125, CCTG deleted on the plus strand (CAGG on the coding strand, the reverse complement: IFT172 is on the minus strand); deleting any 4 consecutive bases within chr2:27,485,122-27,485,127 gives the same sequence; the c. name uses the placement nearest the transcript's 3' end. VCF-style (leftmost placement, unchanged base first): chr2-27485121-TCCTG-T. GRCh37 (hg19) VCF-style: chr2-27707988-TCCTG-T.
Other names: c.187_190delGGCA, p.Lys65Alafs (NM_001410739.1); short protein forms K65fs.
Identifiers: ClinVar variation 2115651 (VCV002115651.4), dbSNP rs2466036018, ClinGen allele CA2580066260.
Genomic context (GRCh38, chr2:27,485,121, plus strand): 5'-GTCCTATGGCAATTTTAGTGGAATCAGGAGAAAAAGCCATGCCCTTCACCATATAGCTCT[TCCTG>T]CCATACTAAGAGTTTAAAAAAAAAAAAAGAAAGAAAAAGAAGTAATGAGTACACATGAAA-3'